The following is an entry in ClinVar:

NM_207352.4(CYP4V2):c.1445C>A (p.Ser482Ter)

Gene: CYP4V2 (cytochrome P450 family 4 subfamily V member 2; plus strand). Cytogenetic location: 4q35.2.
Variant type: single nucleotide variant.
Coding change: c.1445C>A on transcript NM_207352.4 (MANE Select); coding-DNA position 1445, C replaced by A.
Protein change: p.Ser482Ter; replaces serine 482 with a stop codon.
Molecular consequence: nonsense.
Genome position (GRCh38, 1-based): chr4:186,210,508, C>A. VCF-style: chr4-186210508-C-A. GRCh37 (hg19) VCF-style: chr4-187131662-C-A.
Other names: c.1749C>A; short protein forms S482*.
Identifiers: ClinVar variation 39257 (VCV000039257.3), dbSNP rs146494374, ClinGen allele CA343719.

ClinVar aggregate classification (germline): Pathogenic (0 of 4 stars; one submission).

Conditions:
Bietti crystalline corneoretinal dystrophy (BCD). Also called: Bietti Crystalline Dystrophy; BIETTI TAPETORETINAL DEGENERATION WITH MARGINAL CORNEAL DYSTROPHY. Identifiers: Orphanet 41751, MedGen C1859486, MONDO:0008865, OMIM 210370.

gnomAD v4.1: 1 of 1,614,168 alleles (0.000062%); highest among the groups gnomAD compares: East Asian, 0.0022%; no homozygotes.

Submission:

GeneReviews
Classification: Pathogenic for Bietti Crystalline Dystrophy. Last evaluated: 2012-04-12. Review status: no assertion criteria provided. Collection method: curation. Allele origin: unknown.
ClinVar note: Converted during submission from pathologic to Pathogenic.